The following is an entry in ClinVar:

NM_003718.5(CDK13):c.4509CAGAGG[1] (p.1504RG[1])

Gene: CDK13 (cyclin dependent kinase 13; plus strand). Cytogenetic location: 7p14.1.
Variant type: Microsatellite.
Coding change: c.4509CAGAGG[1] on transcript NM_003718.5 (MANE Select); one copy of the 6-base unit CAGAGG starting at c.4509; the reference has three copies in a row; two copies, 12 bases deleted.
Protein change: p.1504RG[1].
Molecular consequence: inframe indel (on NM_031267.4).
Genome position (GRCh38, 1-based): chr7:40,094,956-40,094,967, CAGAGGCAGAGG deleted; deleting any 12 consecutive bases within chr7:40,094,948-40,094,967 gives the same sequence; the position shown is the placement nearest the transcript's 3' end. VCF-style (leftmost placement, unchanged base first): chr7-40094947-TGGCAGAGGCAGA-T. GRCh37 (hg19) VCF-style: chr7-40134546-TGGCAGAGGCAGA-T.
Other names: c.4329_4334CAGAGG[1], p.Arg1446_Gly1449del (NM_031267.4).
Identifiers: ClinVar variation 3346121 (VCV003346121.1).

ClinVar aggregate classification (germline): Uncertain significance (0 of 4 stars; one submission).

Conditions:
CDK13-related disorder. Also called: CDK13-related condition. Identifiers: MedGen C5816700.

Submission:

PreventionGenetics, part of Exact Sciences
Classification: Uncertain significance for CDK13-related condition. Last evaluated: 2024-04-22. Review status: no assertion criteria provided. Collection method: clinical testing. Allele origin: germline.
Comment: The CDK13 c.4515_4526del12 variant is predicted to result in an in-frame deletion (p.Arg1506_Gly1509del). To our knowledge, this variant has not been reported in the literature or in a large population database, indicating this variant is rare. At this time, the clinical significance of this variant is uncertain due to the absence of conclusive functional and genetic evidence.